The following is an entry in ClinVar:

NM_000137.4(FAH):c.1013G>A (p.Cys338Tyr)

Gene: FAH (fumarylacetoacetate hydrolase; plus strand). Cytogenetic location: 15q25.1.
Variant type: single nucleotide variant.
Coding change: c.1013G>A on transcript NM_000137.4 (MANE Select); coding-DNA position 1013, G replaced by A.
Protein change: p.Cys338Tyr; replaces cysteine 338 with tyrosine.
Molecular consequence: missense variant.
Genome position (GRCh38, 1-based): chr15:80,180,176, G>A. VCF-style: chr15-80180176-G-A. GRCh37 (hg19) VCF-style: chr15-80472518-G-A.
Other names: c.1013G>A, p.Cys338Tyr (NM_001374377.1, NM_001374380.1); short protein forms C338Y.
Identifiers: ClinVar variation 2183248 (VCV002183248.4), dbSNP rs2505861318, ClinGen allele CA393621758.
Genomic context (GRCh38, chr15:80,180,176, plus strand): 5'-GCCTGCAGTACATGTACTGGACGATGCTGCAGCAGCTCACTCACCACTCTGTCAACGGCT[G>A]CAACCTGCGGCCGGGGGACCTCCTGGCTTCTGGGACCATCAGCGGGCCGGTGAGTATCTG-3'
Protein context (NP_000128.1, residues 328-348): QQLTHHSVNG[Cys338Tyr]NLRPGDLLAS

ClinVar aggregate classification (germline): Uncertain significance (1 of 4 stars; one submission).

Conditions:
Tyrosinemia type I (TYRSN1). Also called: HEPATORENAL TYROSINEMIA; Tyrosinemia type 1; Fumarylacetoacetase deficiency; Deficiency of fumarylacetoacetase; FAH DEFICIENCY. Identifiers: Orphanet 882, MedGen C0268490, MONDO:0010161, OMIM 276700. Disease mechanism: loss of function.

Allele frequency attached by ClinVar (database versions not stated): gnomAD exomes below 0.00001.
gnomAD v4.1: 2 of 1,610,496 alleles (0.00012%); highest among the groups gnomAD compares: Non-Finnish European, 0.00017%; no homozygotes.

Submission:

Labcorp Genetics (formerly Invitae), Labcorp
Classification: Uncertain significance for Tyrosinemia type I. Last evaluated: 2022-04-21. Review status: criteria provided, single submitter. Criteria: Invitae Variant Classification Sherloc (09022015). Collection method: clinical testing. Allele origin: germline.
Comment: Advanced modeling of protein sequence and biophysical properties (such as structural, functional, and spatial information, amino acid conservation, physicochemical variation, residue mobility, and thermodynamic stability) performed at Invitae indicates that this missense variant is expected to disrupt FAH protein function. This variant has not been reported in the literature in individuals affected with FAH-related conditions. This variant is not present in population databases (gnomAD no frequency). This sequence change replaces cysteine, which is neutral and slightly polar, with tyrosine, which is neutral and polar, at codon 338 of the FAH protein (p.Cys338Tyr). In summary, the available evidence is currently insufficient to determine the role of this variant in disease. Therefore, it has been classified as a Variant of Uncertain Significance.